The following is an entry in ClinVar:

NM_152703.5(SAMD9L):c.1355T>G (p.Ile452Ser)

Gene: SAMD9L (sterile alpha motif domain containing 9 like; minus strand). Cytogenetic location: 7q21.2.
Variant type: single nucleotide variant.
Coding change: c.1355T>G on transcript NM_152703.5 (MANE Select); coding-DNA position 1355, T replaced by G.
Protein change: p.Ile452Ser; replaces isoleucine 452 with serine.
Molecular consequence: missense variant.
Genome position (GRCh38, 1-based): chr7:93,134,617, A>C on the plus strand (T>G on the coding strand, the complement: SAMD9L is on the minus strand). VCF-style: chr7-93134617-A-C. GRCh37 (hg19) VCF-style: chr7-92763930-A-C.
Other names: c.1355T>G (NM_152703.2); c.1355T>G, p.Ile452Ser (NM_001303496.3, NM_001303497.3, NM_001303498.3 and 5 more transcripts); short protein forms I452S.
Identifiers: ClinVar variation 2850798 (VCV002850798.4), dbSNP rs1053923190, ClinGen allele CA161962452.

ClinVar aggregate classification (germline): Conflicting classifications of pathogenicity. Review status: criteria provided, conflicting classifications (1 of 4 stars). 2 submissions from 2 submitters: Uncertain significance (1); Likely benign (1). Last evaluated 2024-11-25.

Conditions:
Inborn genetic diseases. Identifiers: MedGen C0950123, MeSH D030342.

Allele frequency attached by ClinVar (database versions not stated): gnomAD exomes below 0.00001; TOPMed 0.00002.
gnomAD v4.1: 6 of 1,613,866 alleles (0.00037%); highest among the groups gnomAD compares: African/African-American, 0.008%; no homozygotes.

Submissions (2):

Ambry Genetics
Classification: Likely benign for Inborn genetic diseases. Last evaluated: 2024-11-25. Review status: criteria provided, single submitter. Criteria: Ambry Variant Classification Scheme 2023. Collection method: clinical testing. Allele origin: germline.

Labcorp Genetics (formerly Invitae), Labcorp
Classification: Uncertain significance. Last evaluated: 2023-09-01. Review status: criteria provided, single submitter. Criteria: Invitae Variant Classification Sherloc (09022015). Collection method: clinical testing. Allele origin: germline.
Comment: This sequence change replaces isoleucine, which is neutral and non-polar, with serine, which is neutral and polar, at codon 452 of the SAMD9L protein (p.Ile452Ser). This variant is present in population databases (no rsID available, gnomAD 0.01%). In summary, the available evidence is currently insufficient to determine the role of this variant in disease. Therefore, it has been classified as a Variant of Uncertain Significance. Advanced modeling of protein sequence and biophysical properties (such as structural, functional, and spatial information, amino acid conservation, physicochemical variation, residue mobility, and thermodynamic stability) performed at Invitae indicates that this missense variant is not expected to disrupt SAMD9L protein function. This variant has not been reported in the literature in individuals affected with SAMD9L-related conditions.